The following is an entry in ClinVar:

NM_022124.6(CDH23):c.3215C>A (p.Ala1072Asp)

Gene: CDH23 (cadherin related 23; plus strand). Cytogenetic location: 10q22.1.
Variant type: single nucleotide variant.
Coding change: c.3215C>A on transcript NM_022124.6 (MANE Select); coding-DNA position 3215, C replaced by A.
Protein change: p.Ala1072Asp; replaces alanine 1072 with aspartic acid.
Molecular consequence: missense variant.
Genome position (GRCh38, 1-based): chr10:71,709,206, C>A. VCF-style: chr10-71709206-C-A. GRCh37 (hg19) VCF-style: chr10-73468963-C-A.
Other names: c.3215C>A, p.Ala1072Asp (NM_001171930.2); short protein forms A1072D.
Identifiers: ClinVar variation 1064874 (VCV001064874.7), dbSNP rs2132751525, ClinGen allele CA377143443.

ClinVar aggregate classification (germline): Likely pathogenic. Review status: criteria provided, multiple submitters, no conflicts (2 of 4 stars). 5 submissions from 5 submitters: Likely pathogenic (4). 1 of the submissions does not count toward it. Last evaluated 2026-02-02.

Conditions:
Retinal dystrophy. Also called: Inherited retinal dystrophy. Identifiers: Orphanet 71862, MedGen C0854723, MeSH D058499, MONDO:0019118, HP:0000556.
Autosomal recessive nonsyndromic hearing loss 12. Also called: DEAFNESS, AUTOSOMAL RECESSIVE 12. Identifiers: Orphanet 90636, MedGen C1832394, MONDO:0011067, OMIM 601386.
Hearing impairment. Also called: Impaired Hearing. Identifiers: MedGen C1384666, MONDO:0005365, HP:0000365.

Submissions (5):

Human Genetics Bochum, Ruhr University Bochum
Classification: Likely pathogenic for Autosomal recessive nonsyndromic hearing loss 12. Last evaluated: 2026-02-02. Review status: criteria provided, single submitter. Criteria: ACMG Guidelines, 2015. Collection method: clinical testing. Allele origin: germline. Affected: yes.
Comment: ACMG criteria used to clasify this variant: PP3_STR, PM3, PM1_SUP, PM2_SUP, PP4

Institute of Human Genetics, Univ. Regensburg, Univ. Regensburg
Classification: Likely pathogenic for Retinal dystrophy. Last evaluated: 2023-01-01. Review status: criteria provided, single submitter. Criteria: ACMG Guidelines, 2015. Collection method: clinical testing. Allele origin: germline. Affected: yes.

Department of Otolaryngology – Head & Neck Surgery, Cochlear Implant Center
Classification: Likely pathogenic for Hearing impairment. Last evaluated: 2021-04-12. Review status: criteria provided, single submitter. Criteria: ClinGen HL ACMG Specifications v1. Collection method: clinical testing. Allele origin: germline. Affected: yes.
Comment: PS1_Supporting, PM2_Moderate, PM3_Supporting, PP3_Supporting

Genetics Research Center, University of Social Welfare and Rehabilitation Sciences
Classification: Likely pathogenic for Autosomal recessive nonsyndromic hearing loss 12. Review status: criteria provided, single submitter. Criteria: ACMG Guidelines, 2015. Collection method: research. Allele origin: germline. Affected: yes.
Comment: The variant is not present in the gnomAD v2.1.1 dataset and has been previously reported in individual(s) affected with CDH23-related hearing loss (PMID:32864763, 34426522, 21117948). Multiple in silico prediction tools suggest that the variant is damaging to protein function.

Clinical Genetics Laboratory, University Hospital Schleswig-Holstein
Classification: Likely pathogenic for Autosomal recessive nonsyndromic hearing loss 12. Last evaluated: 2024-03-19. Review status: no assertion criteria provided. Collection method: clinical testing. Allele origin: biparental. Affected: yes. Not counted in ClinVar's aggregate classification.

Literature cited by the submitters: PubMed 21117948 (cited by 3 submitters); PubMed 32864763 (cited by Institute of Human Genetics, Univ. Regensburg, Univ. Regensburg and Genetics Research Center, University of Social Welfare and Rehabilitation Sciences); PubMed 34426522 (cited by Institute of Human Genetics, Univ. Regensburg, Univ. Regensburg and Genetics Research Center, University of Social Welfare and Rehabilitation Sciences).